The following is an entry in ClinVar:

ClinVar aggregate classification (germline): Uncertain significance (0 of 4 stars; one submission).

Conditions:
STARD9-related disorder. Also called: STARD9-related condition.

Submission:

PreventionGenetics, part of Exact Sciences
Classification: Uncertain significance for STARD9-related condition. Last evaluated: 2024-02-07. Review status: no assertion criteria provided. Collection method: clinical testing. Allele origin: germline.
Comment: The STARD9 c.9388A>G variant is predicted to result in the amino acid substitution p.Thr3130Ala. To our knowledge, this variant has not been reported in the literature or in a large population database, indicating this variant is rare. At this time, the clinical significance of this variant is uncertain due to the absence of conclusive functional and genetic evidence.

NM_020759.3(STARD9):c.9388A>G (p.Thr3130Ala)

Gene: STARD9 (StAR related lipid transfer domain containing 9; plus strand). Cytogenetic location: 15q15.2.
Variant type: single nucleotide variant.
Coding change: c.9388A>G on transcript NM_020759.3 (MANE Select); coding-DNA position 9388, A replaced by G.
Protein change: p.Thr3130Ala; replaces threonine 3130 with alanine.
Molecular consequence: missense variant.
Genome position (GRCh38, 1-based): chr15:42,690,966, A>G. VCF-style: chr15-42690966-A-G. GRCh37 (hg19) VCF-style: chr15-42983164-A-G.
Other names: short protein forms T3130A.
Identifiers: ClinVar variation 3041242 (VCV003041242.2), dbSNP rs2505859736, ClinGen allele CA392069156.